The following is an entry in ClinVar:

ClinVar aggregate classification (germline): Pathogenic (1 of 4 stars; one submission).

Conditions:
LAMA2-related muscular dystrophy (LAMA2-RD). Also called: Laminin alpha 2-related dystrophy. Identifiers: MedGen C5679788, MONDO:0100228.

Allele frequency attached by ClinVar (database versions not stated): TOPMed below 0.00001.

Submission:

Labcorp Genetics (formerly Invitae), Labcorp
Classification: Pathogenic for LAMA2-related muscular dystrophy. Last evaluated: 2021-05-30. Review status: criteria provided, single submitter. Criteria: Invitae Variant Classification Sherloc (09022015). Collection method: clinical testing. Allele origin: germline.
Comment: This variant is not present in population databases (ExAC no frequency). For these reasons, this variant has been classified as Pathogenic. This variant has not been reported in the literature in individuals with LAMA2-related conditions. This sequence change creates a premature translational stop signal (p.Leu2552Argfs*36) in the LAMA2 gene. It is expected to result in an absent or disrupted protein product. Loss-of-function variants in LAMA2 are known to be pathogenic (PMID: 18700894).

Literature cited by the submitters: PubMed 18700894.

NM_000426.4(LAMA2):c.7655del (p.Leu2552fs)

Gene: LAMA2 (laminin subunit alpha 2; plus strand). Cytogenetic location: 6q22.33.
Variant type: Deletion.
Coding change: c.7655del on transcript NM_000426.4 (MANE Select); coding-DNA position 7655, one base deleted (T; older notation c.7655delT).
Protein change: p.Leu2552fs; shifts the reading frame from leucine 2552.
Molecular consequence: frameshift variant.
Genome position (GRCh38, 1-based): chr6:129,481,345, T deleted. VCF-style (leftmost placement, unchanged base first): chr6-129481344-CT-C. GRCh37 (hg19) VCF-style: chr6-129802489-CT-C.
Other names: c.7643del, p.Leu2548fs (NM_001079823.2); short protein forms L2552fs, L2548fs.
Identifiers: ClinVar variation 1394684 (VCV001394684.6), dbSNP rs1384474600, ClinGen allele CA818853656.
Genomic context (GRCh38, chr6:129,481,344, plus strand): 5'-CCTAAGCCTGGTTTTGTGGAGCTCTCCCCTGTGCCAATTGATGTAGGAACAGAAATCAAC[CT>C]GTCATTCAGCACCAAGAATGAGTCCGGCATCATTCTTTTGGGAAGTGGAGGGACACCAGC-3'